The following is an entry in ClinVar:

ClinVar aggregate classification (germline): Pathogenic (1 of 4 stars; one submission).

Conditions:
Deficiency of acetyl-CoA acetyltransferase. Also called: MITOCHONDRIAL ACETOACETYL-CoA THIOLASE DEFICIENCY; Beta-ketothiolase deficiency; 3-KETOTHIOLASE DEFICIENCY; 3-OXOTHIOLASE DEFICIENCY. Identifiers: Orphanet 134, MedGen C1536500, MONDO:0008760, OMIM 203750. Disease mechanism: loss of function.

Submission:

Labcorp Genetics (formerly Invitae), Labcorp
Classification: Pathogenic for Deficiency of acetyl-CoA acetyltransferase. Last evaluated: 2023-07-14. Review status: criteria provided, single submitter. Criteria: Invitae Variant Classification Sherloc (09022015). Collection method: clinical testing. Allele origin: germline.
Comment: For these reasons, this variant has been classified as Pathogenic. This variant disrupts a region of the ACAT1 protein in which other variant(s) (p.Asn158Ser) have been determined to be pathogenic (PMID: 17236799, 21669895). This suggests that this is a clinically significant region of the protein, and that variants that disrupt it are likely to be disease-causing. This variant has not been reported in the literature in individuals affected with ACAT1-related conditions. This variant is not present in population databases (gnomAD no frequency). This variant, c.455_475del, results in the deletion of 7 amino acid(s) of the ACAT1 protein (p.Gly152_Asn158del), but otherwise preserves the integrity of the reading frame.

Literature cited by the submitters: PubMed 17236799; PubMed 21669895.

NM_000019.4(ACAT1):c.455_475del (p.Gly152_Asn158del)

Gene: ACAT1 (acetyl-CoA acetyltransferase 1; plus strand). Cytogenetic location: 11q22.3.
Variant type: Deletion.
Coding change: c.455_475del on transcript NM_000019.4 (MANE Select); coding-DNA positions 455 to 475, 21 bases deleted (GGATGGAGAGCATGTCCAATG).
Protein change: p.Gly152_Asn158del.
Molecular consequence: inframe deletion. On other transcripts: non-coding transcript variant (2).
Genome position (GRCh38, 1-based): chr11:108,138,917-108,138,937, GGATGGAGAGCATGTCCAATG deleted; deleting any 21 consecutive bases within chr11:108,138,915-108,138,937 gives the same sequence; the c. name uses the placement nearest the transcript's 3' end. VCF-style (leftmost placement, unchanged base first): chr11-108138914-GTGGGATGGAGAGCATGTCCAA-G. GRCh37 (hg19) VCF-style: chr11-108009641-GTGGGATGGAGAGCATGTCCAA-G.
Other names: c.455_475del, p.Gly152_Asn158del (NM_001386677.1); c.140_160del, p.Gly47_Asn53del (NM_001386678.1); c.158_178del, p.Gly53_Asn59del (NM_001386679.1); c.185_205del, p.Gly62_Asn68del (NM_001386681.1, NM_001386682.1, NM_001386685.1 and 6 more transcripts).
Identifiers: ClinVar variation 3015588 (VCV003015588.3), dbSNP rs2135355722, ClinGen allele CA2725143762.